The following is an entry in ClinVar:

NM_003579.4(RAD54L):c.1944G>C (p.Glu648Asp)

Genes: LRRC41 (leucine rich repeat containing 41; minus strand), RAD54L (RAD54 like; plus strand). Cytogenetic location: 1p34.1.
Variant type: single nucleotide variant.
Coding change: c.1944G>C on transcript NM_003579.4 (MANE Select); coding-DNA position 1944, G replaced by C.
Protein change: p.Glu648Asp; replaces glutamic acid 648 with aspartic acid.
Molecular consequence: missense variant. On other transcripts: 3 prime UTR variant (1).
Genome position (GRCh38, 1-based): chr1:46,277,891, G>C. VCF-style: chr1-46277891-G-C. GRCh37 (hg19) VCF-style: chr1-46743563-G-C.
Other names: c.*974C>G (NM_006369.5); c.1944G>C, p.Glu648Asp (NM_001142548.2); c.1404G>C, p.Glu468Asp (NM_001370766.1); short protein forms E648D, E468D.
Identifiers: ClinVar variation 2462989 (VCV002462989.2), dbSNP rs770776928, ClinGen allele CA834774.

ClinVar aggregate classification (germline): Uncertain significance (1 of 4 stars; one submission).

Allele frequency attached by ClinVar (database versions not stated): ExAC 0.00002; gnomAD 0.00005.
gnomAD v4.1: 12 of 1,613,964 alleles (0.00074%); highest among the groups gnomAD compares: African/African-American, 0.016%; no homozygotes.

Submission:

Ambry Genetics
Classification: Uncertain significance. Last evaluated: 2022-12-07. Review status: criteria provided, single submitter. Criteria: Ambry Variant Classification Scheme 2023. Collection method: clinical testing. Allele origin: germline.
Comment: The p.E648D variant (also known as c.1944G>C), located in coding exon 17 of the RAD54L gene, results from a G to C substitution at nucleotide position 1944. The glutamic acid at codon 648 is replaced by aspartic acid, an amino acid with highly similar properties. This amino acid position is conserved. In addition, this alteration is predicted to be tolerated by in silico analysis. Since supporting evidence is limited at this time, the clinical significance of this alteration remains unclear.